The following is an entry in ClinVar:

ClinVar aggregate classification (germline): Pathogenic/Likely pathogenic. Review status: criteria provided, multiple submitters, no conflicts (2 of 4 stars). 2 submissions from 2 submitters: Pathogenic (1); Likely pathogenic (1). Last evaluated 2026-01-09.

Conditions:
Phenylketonuria (PKU). Also called: OLIGOPHRENIA PHENYLPYRUVICA; Phenylketonurias; Phenylketonuria (PKU); FOLLING DISEASE. Identifiers: Orphanet 716, MedGen C0031485, MONDO:0009861, OMIM 261600. Disease mechanism: loss of function.

gnomAD v4.1: 1 of 1,614,046 alleles (0.000062%); highest among the groups gnomAD compares: Non-Finnish European, 0.000085%; no homozygotes.

Submissions (2):

Labcorp Genetics (formerly Invitae), Labcorp
Classification: Pathogenic for Phenylketonuria. Last evaluated: 2026-01-09. Review status: criteria provided, single submitter. Criteria: Invitae Variant Classification Sherloc (09022015). Collection method: clinical testing. Allele origin: germline.
Comment: This sequence change replaces glutamic acid, which is acidic and polar, with aspartic acid, which is acidic and polar, at codon 205 of the PAH protein (p.Glu205Asp). This variant is present in population databases (no rsID available, gnomAD 0.0009%). This missense change has been observed in individuals with phenylketonuria (PMID: 22112818, 22841515). ClinVar contains an entry for this variant (Variation ID: 1453298). Invitae Evidence Modeling of protein sequence and biophysical properties (such as structural, functional, and spatial information, amino acid conservation, physicochemical variation, residue mobility, and thermodynamic stability) has been performed for this missense variant. However, the output from this modeling did not meet the statistical confidence thresholds required to predict the impact of this variant on PAH protein function. This variant disrupts the p.Glu205 amino acid residue in PAH. Other variant(s) that disrupt this residue have been determined to be pathogenic (PMID: 27121329; internal data). This suggests that this residue is clinically significant, and that variants that disrupt this residue are likely to be disease-causing. For these reasons, this variant has been classified as Pathogenic.

Natera, Inc.
Classification: Likely pathogenic for Phenylketonuria. Last evaluated: 2024-03-01. Review status: criteria provided, single submitter. Criteria: Natera Variant Classification Schema (03/2026). Collection method: clinical testing. Allele origin: germline.
Comment: The c.615G>C variant in PAH is a missense variant predicted to cause substitution of glutamic acid to aspartic acid at amino acid 205. This variant is rare in the general population with a frequency below the threshold expected for the associated phenotype(s). This variant has been observed in one or more individuals affected with the associated recessive disease, as either homozygous or compound heterozygous with a second variant (PMID: 22112818, 22841515). A different variant at the same position has been determined to be Pathogenic or Likely Pathogenic. Computational prediction algorithms indicate this variant is likely to affect gene or protein function. Given the available evidence, this variant is classified as Likely Pathogenic.

Literature cited by the submitters: PubMed 22112818 (cited by Labcorp Genetics (formerly Invitae), Labcorp and Natera, Inc.); PubMed 22841515 (cited by Labcorp Genetics (formerly Invitae), Labcorp and Natera, Inc.); PubMed 27121329 (cited by Labcorp Genetics (formerly Invitae), Labcorp).

NM_000277.3(PAH):c.615G>C (p.Glu205Asp)

Gene: PAH (phenylalanine hydroxylase; minus strand). Cytogenetic location: 12q23.2.
Variant type: single nucleotide variant.
Coding change: c.615G>C on transcript NM_000277.3 (MANE Select); coding-DNA position 615, G replaced by C.
Protein change: p.Glu205Asp; replaces glutamic acid 205 with aspartic acid.
Molecular consequence: missense variant.
Genome position (GRCh38, 1-based): chr12:102,855,227, C>G on the plus strand (G>C on the coding strand, the complement: PAH is on the minus strand). VCF-style: chr12-102855227-C-G. GRCh37 (hg19) VCF-style: chr12-103249005-C-G.
Other names: c.615G>C, p.Glu205Asp (NM_001354304.2); c.615G>C (NM_000277.2); short protein forms E205D.
Identifiers: ClinVar variation 1453298 (VCV001453298.7), dbSNP rs765552494, ClinGen allele CA312804.